The following is an entry in ClinVar:

ClinVar aggregate classification (germline): Uncertain significance (1 of 4 stars; one submission).

Submission:

CeGaT Center for Human Genetics Tuebingen
Classification: Uncertain significance. Last evaluated: 2024-09-01. Review status: criteria provided, single submitter. Criteria: CeGaT Center For Human Genetics Tuebingen Variant Classification Criteria Version 2. Collection method: clinical testing. Allele origin: germline. Affected: yes. Observed: 1 variant allele.
Comment: TCF20: PM2

NM_001378418.1(TCF20):c.3457C>G (p.His1153Asp)

Gene: TCF20 (transcription factor 20; minus strand). Cytogenetic location: 22q13.2.
Variant type: single nucleotide variant.
Coding change: c.3457C>G on transcript NM_001378418.1 (MANE Select); coding-DNA position 3457, C replaced by G.
Protein change: p.His1153Asp; replaces histidine 1153 with aspartic acid.
Molecular consequence: missense variant.
Genome position (GRCh38, 1-based): chr22:42,211,849, G>C on the plus strand (C>G on the coding strand, the complement: TCF20 is on the minus strand). VCF-style: chr22-42211849-G-C. GRCh37 (hg19) VCF-style: chr22-42607855-G-C.
Other names: c.3457C>G, p.His1153Asp (NM_005650.4, NM_181492.3); short protein forms H1153D.
Identifiers: ClinVar variation 3389255 (VCV003389255.14).